The following is an entry in ClinVar:

NM_017837.4(PIGV):c.181G>A (p.Gly61Ser)

Gene: PIGV (phosphatidylinositol glycan anchor biosynthesis class V; plus strand). Cytogenetic location: 1p36.11.
Variant type: single nucleotide variant.
Coding change: c.181G>A on transcript NM_017837.4 (MANE Select); coding-DNA position 181, G replaced by A.
Protein change: p.Gly61Ser; replaces glycine 61 with serine.
Molecular consequence: missense variant. On other transcripts: 5 prime UTR variant (1), non-coding transcript variant (2), intron variant (3).
Genome position (GRCh38, 1-based): chr1:26,794,215, G>A. VCF-style: chr1-26794215-G-A. GRCh37 (hg19) VCF-style: chr1-27120706-G-A.
Other names: c.181G>A, p.Gly61Ser (NM_001202554.2, NM_001374478.1, NM_001374480.1 and 2 more transcripts); c.-201G>A (NM_001374483.1); c.172+9G>A (NM_001374484.1, NM_001374485.1); c.78+3322G>A (NM_001374486.1); short protein forms G61S.
Identifiers: ClinVar variation 2074725 (VCV002074725.4), dbSNP rs2522164379, ClinGen allele CA339198739.

ClinVar aggregate classification (germline): Uncertain significance (1 of 4 stars; one submission).

gnomAD v4.1: 2 of 1,614,208 alleles (0.00012%); highest among the groups gnomAD compares: Non-Finnish European, 0.00017%; no homozygotes.

Submission:

Labcorp Genetics (formerly Invitae), Labcorp
Classification: Uncertain significance. Last evaluated: 2022-01-12. Review status: criteria provided, single submitter. Criteria: Invitae Variant Classification Sherloc (09022015). Collection method: clinical testing. Allele origin: germline.
Comment: This sequence change replaces glycine, which is neutral and non-polar, with serine, which is neutral and polar, at codon 61 of the PIGV protein (p.Gly61Ser). This variant is not present in population databases (gnomAD no frequency). This variant has not been reported in the literature in individuals affected with PIGV-related conditions. Algorithms developed to predict the effect of missense changes on protein structure and function output the following: SIFT: "Tolerated"; PolyPhen-2: "Possibly Damaging"; Align-GVGD: "Class C0". The serine amino acid residue is found in multiple mammalian species, which suggests that this missense change does not adversely affect protein function. In summary, the available evidence is currently insufficient to determine the role of this variant in disease. Therefore, it has been classified as a Variant of Uncertain Significance.